The following is an entry in ClinVar:

NM_152309.3(PIK3AP1):c.112C>T (p.Arg38Cys)

Gene: PIK3AP1 (phosphoinositide-3-kinase adaptor protein 1; minus strand). Cytogenetic location: 10q24.1.
Variant type: single nucleotide variant.
Coding change: c.112C>T on transcript NM_152309.3 (MANE Select); coding-DNA position 112, C replaced by T.
Protein change: p.Arg38Cys; replaces arginine 38 with cysteine.
Molecular consequence: missense variant.
Genome position (GRCh38, 1-based): chr10:96,709,885, G>A on the plus strand (C>T on the coding strand, the complement: PIK3AP1 is on the minus strand). VCF-style: chr10-96709885-G-A. GRCh37 (hg19) VCF-style: chr10-98469642-G-A.
Other names: c.112C>T (NM_152309.2); short protein forms R38C.
Identifiers: ClinVar variation 1441856 (VCV001441856.9), dbSNP rs369732062, ClinGen allele CA5626610.

ClinVar aggregate classification (germline): Conflicting classifications of pathogenicity. Review status: criteria provided, conflicting classifications (1 of 4 stars). 2 submissions from 2 submitters: Uncertain significance (1); Likely benign (1). Last evaluated 2024-09-25.

Conditions:
Infantile spasms. Also called: Infantile spasm. Identifiers: MedGen C3887898, HP:0012469.

Allele frequency attached by ClinVar (database versions not stated): ExAC 0.00006; gnomAD exomes 0.00007 and 0.00021; ESP Exome Variant Server 0.00008.

Submissions (2):

Labcorp Genetics (formerly Invitae), Labcorp
Classification: Uncertain significance for Infantile spasms. Last evaluated: 2024-09-25. Review status: criteria provided, single submitter. Criteria: Invitae Variant Classification Sherloc (09022015). Collection method: clinical testing. Allele origin: germline.
Comment: This sequence change replaces arginine, which is basic and polar, with cysteine, which is neutral and slightly polar, at codon 38 of the PIK3AP1 protein (p.Arg38Cys). This variant is present in population databases (rs369732062, gnomAD 0.01%). This variant has not been reported in the literature in individuals affected with PIK3AP1-related conditions. ClinVar contains an entry for this variant (Variation ID: 1441856). An algorithm developed to predict the effect of missense changes on protein structure and function outputs the following: PolyPhen-2: "Benign". The cysteine amino acid residue is found in multiple mammalian species, which suggests that this missense change does not adversely affect protein function. In summary, the available evidence is currently insufficient to determine the role of this variant in disease. Therefore, it has been classified as a Variant of Uncertain Significance.

Ambry Genetics
Classification: Likely benign. Last evaluated: 2022-05-11. Review status: criteria provided, single submitter. Criteria: Ambry Variant Classification Scheme 2023. Collection method: clinical testing. Allele origin: germline.